The following is an entry in ClinVar:

NM_001164508.2(NEB):c.19944+6_19944+12del

Gene: NEB (nebulin; minus strand). Cytogenetic location: 2q23.3.
Variant type: Deletion.
Coding change: c.19944+6_19944+12del on transcript NM_001164508.2 (MANE Select); bases 6 to 12 of the intron after coding-DNA position 19944, 7 bases deleted (CAGTGAG; older notation c.19944+6_19944+12delCAGTGAG).
Molecular consequence: splice donor variant.
Genome position (GRCh38, 1-based): chr2:151,551,726-151,551,732, CTCACTG deleted on the plus strand (CAGTGAG on the coding strand, the reverse complement: NEB is on the minus strand); deleting any 7 consecutive bases within chr2:151,551,726-151,551,737 gives the same sequence; the c. name uses the placement nearest the transcript's 3' end. VCF-style (leftmost placement, unchanged base first): chr2-151551725-TCTCACTG-T. GRCh37 (hg19) VCF-style: chr2-152408239-TCTCACTG-T.
Other names: c.14841+6_14841+12del (NM_004543.5); c.19944+6_19944+12del (NM_001164507.2, NM_001271208.2).
Identifiers: ClinVar variation 1484595 (VCV001484595.6), dbSNP rs2153647219, ClinGen allele CA2573133332.

ClinVar aggregate classification (germline): Uncertain significance (1 of 4 stars; one submission).

Conditions:
Nemaline myopathy 2 (NEM2). Also called: Nemaline myopathy 2, autosomal recessive. Identifiers: MedGen C1850569, MONDO:0009725, OMIM 256030.

Submission:

Labcorp Genetics (formerly Invitae), Labcorp
Classification: Uncertain significance for Nemaline myopathy 2. Last evaluated: 2022-06-27. Review status: criteria provided, single submitter. Criteria: Invitae Variant Classification Sherloc (09022015). Collection method: clinical testing. Allele origin: germline.
Comment: In summary, the available evidence is currently insufficient to determine the role of this variant in disease. Therefore, it has been classified as a Variant of Uncertain Significance. Variants that disrupt the consensus splice site are a relatively common cause of aberrant splicing (PMID: 17576681, 9536098). Experimental studies and prediction algorithms are not available or were not evaluated, and the effect of this variant on mRNA splicing is currently unknown. This variant has not been reported in the literature in individuals affected with NEB-related conditions. This variant is not present in population databases (gnomAD no frequency). This sequence change falls in intron 129 of the NEB gene. It does not directly change the encoded amino acid sequence of the NEB protein. It affects a nucleotide within the consensus splice site.

Literature cited by the submitters: PubMed 17576681; PubMed 9536098.